The following is an entry in ClinVar:

ClinVar aggregate classification (germline): Uncertain significance (1 of 4 stars; one submission).

gnomAD v4.1: 2 of 1,598,714 alleles (0.00013%); highest among the groups gnomAD compares: Non-Finnish European, 0.00017%; no homozygotes.

Submission:

Labcorp Genetics (formerly Invitae), Labcorp
Classification: Uncertain significance. Last evaluated: 2019-11-04. Review status: criteria provided, single submitter. Criteria: Invitae Variant Classification Sherloc (09022015). Collection method: clinical testing. Allele origin: germline.
Comment: This sequence change replaces isoleucine with threonine at codon 183 of the IMPG1 protein (p.Ile183Thr). The isoleucine residue is weakly conserved and there is a moderate physicochemical difference between isoleucine and threonine. This variant is not present in population databases (ExAC no frequency). This variant has not been reported in the literature in individuals with IMPG1-related conditions. Algorithms developed to predict the effect of missense changes on protein structure and function (SIFT, PolyPhen-2, Align-GVGD) all suggest that this variant is likely to be tolerated, but these predictions have not been confirmed by published functional studies and their clinical significance is uncertain. In summary, the available evidence is currently insufficient to determine the role of this variant in disease. Therefore, it has been classified as a Variant of Uncertain Significance.

NM_001563.4(IMPG1):c.548T>C (p.Ile183Thr)

Gene: IMPG1 (interphotoreceptor matrix proteoglycan 1; minus strand). Cytogenetic location: 6q14.1.
Variant type: single nucleotide variant.
Coding change: c.548T>C on transcript NM_001563.4 (MANE Select); coding-DNA position 548, T replaced by C.
Protein change: p.Ile183Thr; replaces isoleucine 183 with threonine.
Molecular consequence: missense variant.
Genome position (GRCh38, 1-based): chr6:76,025,208, A>G on the plus strand (T>C on the coding strand, the complement: IMPG1 is on the minus strand). VCF-style: chr6-76025208-A-G. GRCh37 (hg19) VCF-style: chr6-76734925-A-G.
Other names: c.314T>C, p.Ile105Thr (NM_001282368.2); short protein forms I105T, I183T.
Identifiers: ClinVar variation 970239 (VCV000970239.1), dbSNP rs771798163, ClinGen allele CA364780095.